The following is an entry in ClinVar:

NM_001029883.3(PCARE):c.2520C>A (p.Asp840Glu)

Gene: PCARE (photoreceptor cilium actin regulator; minus strand). Cytogenetic location: 2p23.2.
Variant type: single nucleotide variant.
Coding change: c.2520C>A on transcript NM_001029883.3 (MANE Select); coding-DNA position 2520, C replaced by A.
Protein change: p.Asp840Glu; replaces aspartic acid 840 with glutamic acid.
Molecular consequence: missense variant.
Genome position (GRCh38, 1-based): chr2:29,071,742, G>T on the plus strand (C>A on the coding strand, the complement: PCARE is on the minus strand). VCF-style: chr2-29071742-G-T. GRCh37 (hg19) VCF-style: chr2-29294608-G-T.
Other names: short protein forms D840E.
Identifiers: ClinVar variation 837624 (VCV000837624.8), dbSNP rs1203236551, ClinGen allele CA346477358.
Genomic context (GRCh38, chr2:29,071,742, plus strand): 5'-CTTGGGGGAGTTCTCTGTGGACTTGCTGCTTTCTGGGGACTCCAGAGAAGCGAATGATTT[G>T]TCCATCAGAACTTCCATAGGCGGTGGAGGGAGGTGCTCGAGGTTCCCCTCCATTTCACAG-3'
Protein context (NP_001025054.1, residues 830-850): LPPPPMEVLM[Asp840Glu]KSFASLESPE

ClinVar aggregate classification (germline): Uncertain significance. Review status: criteria provided, multiple submitters, no conflicts (2 of 4 stars). 2 submissions from 2 submitters: Uncertain significance (2). Last evaluated 2025-01-15.

Allele frequency attached by ClinVar (database versions not stated): gnomAD exomes 0.00001.

Submissions (2):

Labcorp Genetics (formerly Invitae), Labcorp
Classification: Uncertain significance. Last evaluated: 2025-01-15. Review status: criteria provided, single submitter. Criteria: Invitae Variant Classification Sherloc (09022015). Collection method: clinical testing. Allele origin: germline.
Comment: This sequence change replaces aspartic acid, which is acidic and polar, with glutamic acid, which is acidic and polar, at codon 840 of the PCARE protein (p.Asp840Glu). This variant is not present in population databases (gnomAD no frequency). This variant has not been reported in the literature in individuals affected with PCARE-related conditions. ClinVar contains an entry for this variant (Variation ID: 837624). An algorithm developed to predict the effect of missense changes on protein structure and function (PolyPhen-2) suggests that this variant is likely to be disruptive. In summary, the available evidence is currently insufficient to determine the role of this variant in disease. Therefore, it has been classified as a Variant of Uncertain Significance.

Blueprint Genetics
Classification: Uncertain significance. Last evaluated: 2021-05-12. Review status: criteria provided, single submitter. Criteria: ACMG Guidelines, 2015. Collection method: clinical testing. Allele origin: germline.